The following is an entry in ClinVar:

NM_020297.4(ABCC9):c.2606T>A (p.Val869Glu)

Gene: ABCC9 (ATP binding cassette subfamily C member 9; minus strand). Cytogenetic location: 12p12.1.
Variant type: single nucleotide variant.
Coding change: c.2606T>A on transcript NM_020297.4 (MANE Select); coding-DNA position 2606, T replaced by A.
Protein change: p.Val869Glu; replaces valine 869 with glutamic acid.
Molecular consequence: missense variant.
Genome position (GRCh38, 1-based): chr12:21,852,405, A>T on the plus strand (T>A on the coding strand, the complement: ABCC9 is on the minus strand). VCF-style: chr12-21852405-A-T. GRCh37 (hg19) VCF-style: chr12-22005339-A-T.
Other names: c.2606T>A, p.Val869Glu (NM_001377273.1, NM_005691.4); c.1739T>A, p.Val580Glu (NM_001377274.1); short protein forms V580E, V869E.
Identifiers: ClinVar variation 1504594 (VCV001504594.8), dbSNP rs2137443414, ClinGen allele CA384125384.

ClinVar aggregate classification (germline): Uncertain significance (1 of 4 stars; one submission).

Conditions:
Dilated cardiomyopathy 1O (CMD1O). Also called: CARDIOMYOPATHY, DILATED, WITH VENTRICULAR TACHYCARDIA. Identifiers: Orphanet 154, MedGen C1837839, MONDO:0012062, OMIM 608569.

Submission:

Labcorp Genetics (formerly Invitae), Labcorp
Classification: Uncertain significance for Dilated cardiomyopathy 1O. Last evaluated: 2022-11-14. Review status: criteria provided, single submitter. Criteria: Invitae Variant Classification Sherloc (09022015). Collection method: clinical testing. Allele origin: germline.
Comment: This sequence change replaces valine, which is neutral and non-polar, with glutamic acid, which is acidic and polar, at codon 869 of the ABCC9 protein (p.Val869Glu). This variant is not present in population databases (gnomAD no frequency). This variant has not been reported in the literature in individuals affected with ABCC9-related conditions. ClinVar contains an entry for this variant (Variation ID: 1504594). Advanced modeling of protein sequence and biophysical properties (such as structural, functional, and spatial information, amino acid conservation, physicochemical variation, residue mobility, and thermodynamic stability) performed at Invitae indicates that this missense variant is expected to disrupt ABCC9 protein function. In summary, the available evidence is currently insufficient to determine the role of this variant in disease. Therefore, it has been classified as a Variant of Uncertain Significance.